The following is an entry in ClinVar:

NM_003105.6(SORL1):c.548A>G (p.Tyr183Cys)

Gene: SORL1 (sortilin related receptor 1; plus strand). Cytogenetic location: 11q24.1.
Variant type: single nucleotide variant.
Coding change: c.548A>G on transcript NM_003105.6 (MANE Select); coding-DNA position 548, A replaced by G.
Protein change: p.Tyr183Cys; replaces tyrosine 183 with cysteine.
Molecular consequence: missense variant.
Genome position (GRCh38, 1-based): chr11:121,488,051, A>G. VCF-style: chr11-121488051-A-G. GRCh37 (hg19) VCF-style: chr11-121358760-A-G.
Other names: short protein forms Y183C.
Identifiers: ClinVar variation 1716001 (VCV001716001.5), dbSNP rs539768568, ClinGen allele CA383285642.

ClinVar aggregate classification (germline): Uncertain significance (1 of 4 stars; one submission).

Submission:

Labcorp Genetics (formerly Invitae), Labcorp
Classification: Uncertain significance. Last evaluated: 2022-08-10. Review status: criteria provided, single submitter. Criteria: Invitae Variant Classification Sherloc (09022015). Collection method: clinical testing. Allele origin: germline.
Comment: In summary, the available evidence is currently insufficient to determine the role of this variant in disease. Therefore, it has been classified as a Variant of Uncertain Significance. Algorithms developed to predict the effect of missense changes on protein structure and function are either unavailable or do not agree on the potential impact of this missense change (SIFT: "Tolerated"; PolyPhen-2: "Possibly Damaging"; Align-GVGD: "Class C0"). This variant has not been reported in the literature in individuals affected with SORL1-related conditions. This variant is not present in population databases (gnomAD no frequency). This sequence change replaces tyrosine, which is neutral and polar, with cysteine, which is neutral and slightly polar, at codon 183 of the SORL1 protein (p.Tyr183Cys).